The following is an entry in ClinVar:

NM_003331.5(TYK2):c.59A>C (p.Gln20Pro)

Gene: TYK2 (tyrosine kinase 2; minus strand). Cytogenetic location: 19p13.2.
Variant type: single nucleotide variant.
Coding change: c.59A>C on transcript NM_003331.5 (MANE Select); coding-DNA position 59, A replaced by C.
Protein change: p.Gln20Pro; replaces glutamine 20 with proline.
Molecular consequence: missense variant.
Genome position (GRCh38, 1-based): chr19:10,378,348, T>G on the plus strand (A>C on the coding strand, the complement: TYK2 is on the minus strand). VCF-style: chr19-10378348-T-G. GRCh37 (hg19) VCF-style: chr19-10489024-T-G.
Other names: c.59A>C, p.Gln20Pro (NM_001385197.1, NM_001385198.1, NM_001385199.1 and 9 more transcripts); short protein forms Q20P.
Identifiers: ClinVar variation 1903675 (VCV001903675.2), dbSNP rs753407156, ClinGen allele CA9193892.
Genomic context (GRCh38, chr19:10,378,348, plus strand): 5'-CCGCCGCCTGGACCAGCCCAGTGCAGAAGCACCTTCAGGCCTCCCATGGCAGCCATGGGC[T>G]GGGCTCCATCCCCAACGGGCTTACTGCCCCTGGCCATCCCCCAGTGGCGCAGAGGCATGC-3'
Protein context (NP_003322.3, residues 10-30): RGSKPVGDGA[Gln20Pro]PMAAMGGLKV

ClinVar aggregate classification (germline): Uncertain significance (1 of 4 stars; one submission).

Conditions:
Immunodeficiency 35 (IMD35). Also called: TYK2 DEFICIENCY; HIES WITH ATYPICAL MYCOBACTERIOSIS, AUTOSOMAL RECESSIVE; HYPER-IgE SYNDROME WITH ATYPICAL MYCOBACTERIOSIS, AUTOSOMAL RECESSIVE; Susceptibility to infection due to TYK2 deficiency. Identifiers: Orphanet 331226, MedGen C1969086, MONDO:0012682, OMIM 611521.

Allele frequency attached by ClinVar (database versions not stated): gnomAD 0.00001; TOPMed 0.00001; ExAC 0.00005.
gnomAD v4.1: 8 of 1,612,426 alleles (0.0005%); highest among the groups gnomAD compares: East Asian, 0.018%; no homozygotes.

Submission:

Labcorp Genetics (formerly Invitae), Labcorp
Classification: Uncertain significance for Immunodeficiency 35. Last evaluated: 2022-01-21. Review status: criteria provided, single submitter. Criteria: Invitae Variant Classification Sherloc (09022015). Collection method: clinical testing. Allele origin: germline.
Comment: This sequence change replaces glutamine, which is neutral and polar, with proline, which is neutral and non-polar, at codon 20 of the TYK2 protein (p.Gln20Pro). This variant is present in population databases (rs753407156, gnomAD 0.05%). This variant has not been reported in the literature in individuals affected with TYK2-related conditions. Algorithms developed to predict the effect of missense changes on protein structure and function are either unavailable or do not agree on the potential impact of this missense change (SIFT: "Not Available"; PolyPhen-2: "Benign"; Align-GVGD: "Not Available"). In summary, the available evidence is currently insufficient to determine the role of this variant in disease. Therefore, it has been classified as a Variant of Uncertain Significance.